The following is an entry in ClinVar:

NM_033305.3(VPS13A):c.5285T>G (p.Ile1762Arg)

Gene: VPS13A (vacuolar protein sorting 13 homolog A; plus strand). Cytogenetic location: 9q21.2.
Variant type: single nucleotide variant.
Coding change: c.5285T>G on transcript NM_033305.3 (MANE Select); coding-DNA position 5285, T replaced by G.
Protein change: p.Ile1762Arg; replaces isoleucine 1762 with arginine.
Molecular consequence: missense variant.
Genome position (GRCh38, 1-based): chr9:77,318,563, T>G. VCF-style: chr9-77318563-T-G. GRCh37 (hg19) VCF-style: chr9-79933479-T-G.
Other names: c.5168T>G, p.Ile1723Arg (NM_001018037.2); c.5285T>G, p.Ile1762Arg (NM_001018038.3, NM_015186.4); short protein forms I1723R, I1762R.
Identifiers: ClinVar variation 1690426 (VCV001690426.2), dbSNP rs753507334, ClinGen allele CA5092716.

ClinVar aggregate classification (germline): Uncertain significance (1 of 4 stars; one submission).

Allele frequency attached by ClinVar (database versions not stated): gnomAD exomes below 0.00001 and 0.00001; ExAC 0.00003.

Submission:

Laboratorio de Genetica e Diagnostico Molecular, Hospital Israelita Albert Einstein
Classification: Uncertain significance. Last evaluated: 2021-08-27. Review status: criteria provided, single submitter. Criteria: ACMG Guidelines, 2015. Collection method: clinical testing. Allele origin: germline. Affected: yes.
Comment: ACMG classification criteria: PM2